The following is an entry in ClinVar:

ClinVar aggregate classification (germline): Conflicting classifications of pathogenicity. Review status: criteria provided, conflicting classifications (1 of 4 stars). 2 submissions from 2 submitters: Uncertain significance (1); Likely benign (1). Last evaluated 2024-12-01.

Conditions:
Intellectual disability, CASK-related, X-linked. Identifiers: MedGen CN043158.

Allele frequency attached by ClinVar (database versions not stated): gnomAD 0.00001; gnomAD exomes 0.00001.
gnomAD v4.1: 12 of 1,202,717 alleles (0.001%); highest among the groups gnomAD compares: Non-Finnish European, 0.0012%; no homozygotes.

Submissions (2):

CeGaT Center for Human Genetics Tuebingen
Classification: Likely benign. Last evaluated: 2024-12-01. Review status: criteria provided, single submitter. Criteria: CeGaT Center For Human Genetics Tuebingen Variant Classification Criteria Version 2. Collection method: clinical testing. Allele origin: germline. Affected: yes. Observed: 1 variant allele.
Comment: CASK: PP3, BS2

Labcorp Genetics (formerly Invitae), Labcorp
Classification: Uncertain significance for Intellectual disability, CASK-related, X-linked. Last evaluated: 2023-12-27. Review status: criteria provided, single submitter. Criteria: Invitae Variant Classification Sherloc (09022015). Collection method: clinical testing. Allele origin: germline.
Comment: This sequence change replaces asparagine, which is neutral and polar, with serine, which is neutral and polar, at codon 540 of the CASK protein (p.Asn540Ser). This variant is present in population databases (no rsID available, gnomAD 0.001%), including at least one homozygous and/or hemizygous individual. This variant has not been reported in the literature in individuals affected with CASK-related conditions. Advanced modeling of protein sequence and biophysical properties (such as structural, functional, and spatial information, amino acid conservation, physicochemical variation, residue mobility, and thermodynamic stability) has been performed at Invitae for this missense variant, however the output from this modeling did not meet the statistical confidence thresholds required to predict the impact of this variant on CASK protein function. In summary, the available evidence is currently insufficient to determine the role of this variant in disease. Therefore, it has been classified as a Variant of Uncertain Significance.

NM_001367721.1(CASK):c.1619A>G (p.Asn540Ser)

Gene: CASK (calcium/calmodulin dependent serine protein kinase; minus strand). Cytogenetic location: Xp11.4.
Variant type: single nucleotide variant.
Coding change: c.1619A>G on transcript NM_001367721.1 (MANE Select); coding-DNA position 1619, A replaced by G.
Protein change: p.Asn540Ser; replaces asparagine 540 with serine.
Molecular consequence: missense variant.
Genome position (GRCh38, 1-based): chrX:41,561,608, T>C on the plus strand (A>G on the coding strand, the complement: CASK is on the minus strand). VCF-style: chrX-41561608-T-C. GRCh37 (hg19) VCF-style: chrX-41420861-T-C.
Other names: c.1601A>G, p.Asn534Ser (NM_001410745.1, NM_001126055.3); c.1619A>G, p.Asn540Ser (NM_003688.4, NM_001126054.3); short protein forms N534S, N540S.
Identifiers: ClinVar variation 2900480 (VCV002900480.16), dbSNP rs1297266241, ClinGen allele CA412994994.